The following is an entry in ClinVar:

NM_016327.3(UPB1):c.91G>A (p.Gly31Ser)

Gene: UPB1 (beta-ureidopropionase 1; plus strand). Cytogenetic location: 22q11.23.
Variant type: single nucleotide variant.
Coding change: c.91G>A on transcript NM_016327.3 (MANE Select); coding-DNA position 91, G replaced by A.
Protein change: p.Gly31Ser; replaces glycine 31 with serine.
Molecular consequence: missense variant.
Genome position (GRCh38, 1-based): chr22:24,495,494, G>A. VCF-style: chr22-24495494-G-A. GRCh37 (hg19) VCF-style: chr22-24891462-G-A.
Other names: short protein forms G31S.
Identifiers: ClinVar variation 445652 (VCV000445652.12), dbSNP rs200145797, ClinGen allele CA10152981.

ClinVar aggregate classification (germline): Conflicting classifications of pathogenicity. Review status: criteria provided, conflicting classifications (1 of 4 stars). 5 submissions from 5 submitters: Uncertain significance (4); Likely benign (1). Last evaluated 2025-06-15.

Conditions:
Deficiency of beta-ureidopropionase (UPB1D). Also called: Beta-ureidopropionase deficiency. Identifiers: Orphanet 65287, MedGen C1291512, MONDO:0013164, OMIM 613161.

Allele frequency attached by ClinVar (database versions not stated): gnomAD 0.00015 and 0.00014; TOPMed 0.00026; ExAC 0.00031; gnomAD exomes 0.00034 and 0.00009; 1000 Genomes Project 0.00040; 1000 Genomes Project 30x 0.00062.
gnomAD v4.1: 151 of 1,614,082 alleles (0.0094%); highest among the groups gnomAD compares: East Asian, 0.29%; 1 homozygote.

Submissions (5):

Labcorp Genetics (formerly Invitae), Labcorp
Classification: Likely benign. Last evaluated: 2025-06-15. Review status: criteria provided, single submitter. Criteria: Invitae Variant Classification Sherloc (09022015). Collection method: clinical testing. Allele origin: germline.

Fulgent Genetics
Classification: Uncertain significance for Deficiency of beta-ureidopropionase. Last evaluated: 2018-10-31. Review status: criteria provided, single submitter. Criteria: ACMG Guidelines, 2015. Collection method: clinical testing. Allele origin: unknown.

Center for Pediatric Genomic Medicine, Children's Mercy Hospital and Clinics
Classification: Uncertain significance. Last evaluated: 2017-06-05. Review status: criteria provided, single submitter. Criteria: ACMG Guidelines, 2015. Collection method: clinical testing. Allele origin: germline.

Illumina Laboratory Services, Illumina
Classification: Uncertain significance for Deficiency of beta-ureidopropionase. Last evaluated: 2017-04-28. Review status: criteria provided, single submitter. Criteria: ICSL Variant Classification Criteria 13 December 2019. Collection method: clinical testing. Allele origin: germline.
Comment: This variant was observed as part of a predisposition screen in an ostensibly healthy population. A literature search was performed for the gene, cDNA change, and amino acid change (where applicable). Publications were found based on this search. However, the evidence from the literature, in combination with allele frequency data from public databases where available, was not sufficient to rule this variant in or out of causing disease. Therefore, this variant is classified as a variant of unknown significance.

Juno Genomics, Hangzhou Juno Genomics, Inc
Classification: Uncertain significance for Deficiency of beta-ureidopropionase. Review status: criteria provided, single submitter. Criteria: ACMG Guidelines, 2015. Collection method: clinical testing. Allele origin: germline.
Comment: Multiple lines of computational evidence support a deleterious effect on the gene or gene product.;For recessive disorders, detected in trans with a pathogenic variant.

Literature cited by the submitters: PubMed 25445412 (cited by Illumina Laboratory Services, Illumina); PubMed 24526388 (cited by Illumina Laboratory Services, Illumina); PubMed 25638458 (cited by Illumina Laboratory Services, Illumina).